The following is an entry in ClinVar:

NM_172232.4(ABCA5):c.788+8A>C

Gene: ABCA5 (ATP binding cassette subfamily A member 5; minus strand). Cytogenetic location: 17q24.3.
Variant type: single nucleotide variant.
Coding change: c.788+8A>C on transcript NM_172232.4 (MANE Select); 8 bases into the intron after coding-DNA position 788, A replaced by C.
Molecular consequence: intron variant.
Genome position (GRCh38, 1-based): chr17:69,306,717, T>G on the plus strand (A>C on the coding strand, the complement: ABCA5 is on the minus strand). VCF-style: chr17-69306717-T-G. GRCh37 (hg19) VCF-style: chr17-67302858-T-G.
Other names: c.788+8A>C (NM_018672.5).
Identifiers: ClinVar variation 3044969 (VCV003044969.2), dbSNP rs750563825, ClinGen allele CA8737801.

ClinVar aggregate classification (germline): Likely benign (0 of 4 stars; one submission).

Conditions:
ABCA5-related disorder. Also called: ABCA5-related condition.

Allele frequency attached by ClinVar (database versions not stated): gnomAD 0.00001.
gnomAD v4.1: 12 of 1,297,604 alleles (0.00092%); highest among the groups gnomAD compares: Non-Finnish European, 0.0012%; no homozygotes.

Submission:

PreventionGenetics, part of Exact Sciences
Classification: Likely benign for ABCA5-related condition. Last evaluated: 2019-06-04. Review status: no assertion criteria provided. Collection method: clinical testing. Allele origin: germline.
Comment: This variant is classified as likely benign based on ACMG/AMP sequence variant interpretation guidelines (Richards et al. 2015 PMID: 25741868, with internal and published modifications).